The following is an entry in ClinVar:

ClinVar aggregate classification (germline): Benign. Review status: criteria provided, multiple submitters, no conflicts (2 of 4 stars). 5 submissions from 5 submitters: Benign (5). Last evaluated 2026-02-04.

Conditions:
Primary ciliary dyskinesia. Also called: Ciliary dyskinesia. Identifiers: Orphanet 244, MedGen C0008780, MONDO:0016575, HP:0012265.

Allele frequency attached by ClinVar (database versions not stated): gnomAD 0.20785 and 0.21437; ESP Exome Variant Server 0.20983; TOPMed 0.21024; gnomAD exomes 0.24128 and 0.24426; 1000 Genomes Project 30x 0.24250; 1000 Genomes Project 0.24361; ExAC 0.24503.
gnomAD v4.1: 376,899 of 1,580,476 alleles (24%); highest among the groups gnomAD compares: East Asian, 33%; 46,611 homozygotes.

Submissions (5):

Labcorp Genetics (formerly Invitae), Labcorp
Classification: Benign for Primary ciliary dyskinesia. Last evaluated: 2026-02-04. Review status: criteria provided, single submitter. Criteria: Invitae Variant Classification Sherloc (09022015). Collection method: clinical testing. Allele origin: germline.

Blueprint Genetics
Classification: Benign. Last evaluated: 2024-11-27. Review status: criteria provided, single submitter. Criteria: ACMG Guidelines, 2015. Collection method: clinical testing. Allele origin: germline.

Mayo Clinic Laboratories, Mayo Clinic
Classification: Benign. Last evaluated: 2022-04-26. Review status: criteria provided, single submitter. Criteria: ACMG Guidelines, 2015. Collection method: clinical testing. Allele origin: germline. Observed: 75 variant alleles.

GeneDx
Classification: Benign. Last evaluated: 2018-11-10. Review status: criteria provided, single submitter. Criteria: GeneDx Variant Classification Process June 2021. Collection method: clinical testing. Allele origin: germline. Affected: yes.

Laboratory for Molecular Medicine, Mass General Brigham Personalized Medicine
Classification: Benign. Last evaluated: 2016-03-28. Review status: criteria provided, single submitter. Criteria: LMM Criteria. Collection method: clinical testing. Allele origin: germline.
Comment: Variant identified in a genome or exome case(s) and assessed due to predicted null impact of the variant or pathogenic assertions in the literature or databases. Disclaimer: This variant has not undergone full assessment. The following are preliminary notes: Frequency

NM_001206927.2(DNAH8):c.8154C>T (p.Tyr2718=)

Gene: DNAH8 (dynein axonemal heavy chain 8; plus strand). Cytogenetic location: 6p21.2.
Variant type: single nucleotide variant.
Coding change: c.8154C>T on transcript NM_001206927.2 (MANE Select); coding-DNA position 8154, C replaced by T.
Protein change: p.Tyr2718=; no amino-acid change (tyrosine 2718 retained).
Molecular consequence: synonymous variant.
Genome position (GRCh38, 1-based): chr6:38,883,893, C>T. VCF-style: chr6-38883893-C-T. GRCh37 (hg19) VCF-style: chr6-38851669-C-T.
Other names: p.Tyr2718=; c.7503C>T, p.Tyr2501= (NM_001371.4).
Identifiers: ClinVar variation 402768 (VCV000402768.16), dbSNP rs4714192, ClinGen allele CA3790113.